The following is an entry in ClinVar:

ClinVar aggregate classification (germline): Uncertain significance (1 of 4 stars; one submission).

Conditions:
T-cell immunodeficiency, congenital alopecia, and nail dystrophy. Also called: Congenital alopecia and nail dystrophy associated with severe functional T-cell immunodeficiency; Pignata Guarino syndrome. Identifiers: Orphanet 169095, MedGen C1866426, MONDO:0011132, OMIM 601705.

Allele frequency attached by ClinVar (database versions not stated): gnomAD exomes below 0.00001.
gnomAD v4.1: 3 of 1,614,012 alleles (0.00019%); highest among the groups gnomAD compares: Non-Finnish European, 0.00025%; no homozygotes.

Submission:

Labcorp Genetics (formerly Invitae), Labcorp
Classification: Uncertain significance for T-cell immunodeficiency, congenital alopecia, and nail dystrophy. Last evaluated: 2022-08-23. Review status: criteria provided, single submitter. Criteria: Invitae Variant Classification Sherloc (09022015). Collection method: clinical testing. Allele origin: germline.
Comment: This sequence change replaces aspartic acid, which is acidic and polar, with glutamic acid, which is acidic and polar, at codon 557 of the FOXN1 protein (p.Asp557Glu). In summary, the available evidence is currently insufficient to determine the role of this variant in disease. Therefore, it has been classified as a Variant of Uncertain Significance. Algorithms developed to predict the effect of missense changes on protein structure and function are either unavailable or do not agree on the potential impact of this missense change (SIFT: "Deleterious"; PolyPhen-2: "Benign"; Align-GVGD: "Class C0"). ClinVar contains an entry for this variant (Variation ID: 1003146). This variant has not been reported in the literature in individuals affected with FOXN1-related conditions. This variant is not present in population databases (gnomAD no frequency).

NM_001369369.1(FOXN1):c.1671C>A (p.Asp557Glu)

Gene: FOXN1 (forkhead box N1; plus strand). Cytogenetic location: 17q11.2.
Variant type: single nucleotide variant.
Coding change: c.1671C>A on transcript NM_001369369.1 (MANE Select); coding-DNA position 1671, C replaced by A.
Protein change: p.Asp557Glu; replaces aspartic acid 557 with glutamic acid.
Molecular consequence: missense variant.
Genome position (GRCh38, 1-based): chr17:28,537,160, C>A. VCF-style: chr17-28537160-C-A. GRCh37 (hg19) VCF-style: chr17-26864178-C-A.
Other names: c.1671C>A, p.Asp557Glu (NM_003593.3); short protein forms D557E.
Identifiers: ClinVar variation 1003146 (VCV001003146.5), dbSNP rs1597571138, ClinGen allele CA398327172.